The following is an entry in ClinVar:

ClinVar aggregate classification (germline): Uncertain significance (1 of 4 stars; one submission).

Submission:

GeneDx
Classification: Uncertain significance. Last evaluated: 2022-08-29. Review status: criteria provided, single submitter. Criteria: GeneDx Variant Classification Process June 2021. Collection method: clinical testing. Allele origin: germline. Affected: yes.
Comment: Not observed at significant frequency in large population cohorts (gnomAD); In silico analysis supports that this missense variant has a deleterious effect on protein structure/function; Has not been previously published as pathogenic or benign to our knowledge

NM_001904.4(CTNNB1):c.1276A>G (p.Asn426Asp)

Genes: CTNNB1 (catenin beta 1; plus strand), LOC126806659 (BRD4-independent group 4 enhancer GRCh37_chr3:41274918-41276117; plus strand). Cytogenetic location: 3p22.1.
Variant type: single nucleotide variant.
Coding change: c.1276A>G on transcript NM_001904.4 (MANE Select); coding-DNA position 1276, A replaced by G.
Protein change: p.Asn426Asp; replaces asparagine 426 with aspartic acid.
Molecular consequence: missense variant.
Genome position (GRCh38, 1-based): chr3:41,233,619, A>G. VCF-style: chr3-41233619-A-G. GRCh37 (hg19) VCF-style: chr3-41275110-A-G.
Other names: c.1276A>G, p.Asn426Asp (NM_001098209.2, NM_001098210.2); c.1255A>G, p.Asn419Asp (NM_001330729.2); short protein forms N419D, N426D.
Identifiers: ClinVar variation 2442663 (VCV002442663.1), dbSNP rs2125639216, ClinGen allele CA352232807.